The following is an entry in ClinVar:

ClinVar aggregate classification (germline): Pathogenic (1 of 4 stars; one submission).

Conditions:
RPE65-related recessive retinopathy. Also called: Recessive RPE65 retinopathy. Identifiers: MedGen CN305526, MONDO:0100368.

Submission:

Myriad Genetics, Inc.
Classification: Pathogenic for RPE65-related recessive retinopathy. Last evaluated: 2024-05-14. Review status: criteria provided, single submitter. Criteria: Myriad Autosomal Dominant, Autosomal Recessive and X-Linked Classification Criteria (2023). Collection method: clinical testing. Allele origin: unknown.
Comment: NM_000329.2(RPE65):c.343_344insAG(I115Kfs*13) is expected to be pathogenic in the context of inherited retinal dystrophy, RPE65-related. This variant is predicted to lead to an abnormal or absent protein product due to the creation of a premature termination codon in RPE65, a gene where loss-of-function variants are known to be pathogenic. Please note: this variant was assessed in the context of healthy population screening.

NM_000329.3(RPE65):c.343_344insAG (p.Ile115fs)

Gene: RPE65 (retinoid isomerohydrolase RPE65; minus strand). Cytogenetic location: 1p31.3.
Variant type: Insertion.
Coding change: c.343_344insAG on transcript NM_000329.3 (MANE Select); coding-DNA positions 343 to 344, AG inserted.
Protein change: p.Ile115fs; shifts the reading frame from isoleucine 115.
Molecular consequence: frameshift variant. On other transcripts: intron variant (1).
Genome position: GRCh38 VCF-style: chr1-68444785-A-ACT. GRCh37 (hg19) VCF-style: chr1-68910468-A-ACT.
Other names: c.67_68insAG, p.Ile23fs (NM_001406856.1, NM_001406857.1); c.343_344insAG, p.Ile115fs (NM_001406859.1, NM_001406860.1); c.246-114_246-113insAG (NM_001406853.1); short protein forms I115fs, I23fs.
Identifiers: ClinVar variation 5010631 (VCV005010631.1).
Genomic context (GRCh38, chr1:68,444,785, plus strand): 5'-AAAGGGCTAATATAAAATGTCTTGAGTAACATTCAGTTTGGGTTCAGTAACCTGGAAAAT[A>ACT]TATTCTTGCAGGGATCTGGGAAAGCACAGGTGCCAAATTCTGTTATGACGATCCTTTTCT-3'